The following is an entry in ClinVar:

NM_001851.6(COL9A1):c.780+14C>G

Gene: COL9A1 (collagen type IX alpha 1 chain; minus strand). Cytogenetic location: 6q13.
Variant type: single nucleotide variant.
Coding change: c.780+14C>G on transcript NM_001851.6 (MANE Select); 14 bases into the intron after coding-DNA position 780, C replaced by G.
Molecular consequence: intron variant.
Genome position (GRCh38, 1-based): chr6:70,283,723, G>C on the plus strand (C>G on the coding strand, the complement: COL9A1 is on the minus strand). VCF-style: chr6-70283723-G-C. GRCh37 (hg19) VCF-style: chr6-70993426-G-C.
Other names: c.780+14C>G (NM_001377291.1).
Identifiers: ClinVar variation 514975 (VCV000514975.1), dbSNP rs917108673, ClinGen allele CA658796785.
Genomic context (GRCh38, chr6:70,283,723, plus strand): 5'-AAGATGGGAAAGTGGTGAGGTGGAGAGGGTTGAGCTGGGTAGAAGTGGCCTTTGCAGGTA[G>C]TCAGGGGACTCACCGTTATTCTGGCTGGCAGCTCATGGCAAGTTTCTCTCCTGGGCCGCA-3'

ClinVar aggregate classification (germline): Likely benign (1 of 4 stars; one submission).

Submission:

GeneDx
Classification: Likely benign. Last evaluated: 2018-01-19. Review status: criteria provided, single submitter. Criteria: GeneDx Variant Classification (06012015). Collection method: clinical testing. Allele origin: germline. Affected: yes.
Comment: This variant is considered likely benign or benign based on one or more of the following criteria: it is a conservative change, it occurs at a poorly conserved position in the protein, it is predicted to be benign by multiple in silico algorithms, and/or has population frequency not consistent with disease.